The following is an entry in ClinVar:

NM_000195.5(HPS1):c.987+4A>G

Gene: HPS1 (HPS1 biogenesis of lysosomal organelles complex 3 subunit 1; minus strand). Cytogenetic location: 10q24.2.
Variant type: single nucleotide variant.
Coding change: c.987+4A>G on transcript NM_000195.5 (MANE Select); 4 bases into the intron after coding-DNA position 987, A replaced by G.
Molecular consequence: intron variant.
Genome position (GRCh38, 1-based): chr10:98,427,211, T>C on the plus strand (A>G on the coding strand, the complement: HPS1 is on the minus strand). VCF-style: chr10-98427211-T-C. GRCh37 (hg19) VCF-style: chr10-100186968-T-C.
Other names: c.618+4A>G (NM_001322483.2, NM_001322484.2); c.726+4A>G (NM_001322480.2, NM_001322481.2); c.888+4A>G (NM_001322478.2, NM_001322479.2); c.987+4A>G (NM_001322476.2, NM_001322477.2); c.519+4A>G (NM_001322485.2); c.627+4A>G (NM_001322482.2); c.15+4A>G (NM_001322489.2, NM_001311345.2, NM_001322487.2).
Identifiers: ClinVar variation 2758966 (VCV002758966.3), dbSNP rs2538857210, ClinGen allele CA2697558701.
Genomic context (GRCh38, chr10:98,427,211, plus strand): 5'-CCCCCAATACTCACTGCGGCATCTCAGATCAGCTGGCGCCCAGGCAGGCACAGGAGAAAC[T>C]CACCTGAAGGGCATCCATGGGGGGGGTGCCCCCCTCCAGCCAGATGGTGCTACCTGCAGG-3'

ClinVar aggregate classification (germline): Uncertain significance (1 of 4 stars; one submission).

Submission:

Labcorp Genetics (formerly Invitae), Labcorp
Classification: Uncertain significance. Last evaluated: 2023-12-02. Review status: criteria provided, single submitter. Criteria: Invitae Variant Classification Sherloc (09022015). Collection method: clinical testing. Allele origin: germline.
Comment: This sequence change falls in intron 11 of the HPS1 gene. It does not directly change the encoded amino acid sequence of the HPS1 protein. It affects a nucleotide within the consensus splice site. This variant is not present in population databases (gnomAD no frequency). This variant has not been reported in the literature in individuals affected with HPS1-related conditions. Variants that disrupt the consensus splice site are a relatively common cause of aberrant splicing (PMID: 17576681, 9536098). Algorithms developed to predict the effect of sequence changes on RNA splicing suggest that this variant may disrupt the consensus splice site. In summary, the available evidence is currently insufficient to determine the role of this variant in disease. Therefore, it has been classified as a Variant of Uncertain Significance.

Literature cited by the submitters: PubMed 17576681; PubMed 9536098.